The following is an entry in ClinVar:

NM_000137.4(FAH):c.256C>T (p.Gln86Ter)

Gene: FAH (fumarylacetoacetate hydrolase; plus strand). Cytogenetic location: 15q25.1.
Variant type: single nucleotide variant.
Coding change: c.256C>T on transcript NM_000137.4 (MANE Select); coding-DNA position 256, C replaced by T.
Protein change: p.Gln86Ter; replaces glutamine 86 with a stop codon.
Molecular consequence: nonsense.
Genome position (GRCh38, 1-based): chr15:80,159,819, C>T. VCF-style: chr15-80159819-C-T. GRCh37 (hg19) VCF-style: chr15-80452161-C-T.
Other names: c.256C>T, p.Gln86Ter (NM_001374377.1, NM_001374380.1); short protein forms Q86*.
Identifiers: ClinVar variation 3643088 (VCV003643088.2).

ClinVar aggregate classification (germline): Pathogenic (1 of 4 stars; one submission).

Conditions:
Tyrosinemia type I (TYRSN1). Also called: Tyrosinemia type 1; Fumarylacetoacetase deficiency; Deficiency of fumarylacetoacetase; FAH DEFICIENCY; HEPATORENAL TYROSINEMIA. Identifiers: Orphanet 882, MedGen C0268490, MONDO:0010161, OMIM 276700. Disease mechanism: loss of function.

Submission:

Labcorp Genetics (formerly Invitae), Labcorp
Classification: Pathogenic for Tyrosinemia type I. Last evaluated: 2024-02-24. Review status: criteria provided, single submitter. Criteria: Invitae Variant Classification Sherloc (09022015). Collection method: clinical testing. Allele origin: germline.
Comment: This sequence change creates a premature translational stop signal (p.Gln86*) in the FAH gene. It is expected to result in an absent or disrupted protein product. Loss-of-function variants in FAH are known to be pathogenic (PMID: 9101289, 9633815). This variant is not present in population databases (gnomAD no frequency). This variant has not been reported in the literature in individuals affected with FAH-related conditions. Algorithms developed to predict the effect of sequence changes on RNA splicing suggest that this variant may disrupt the consensus splice site. For these reasons, this variant has been classified as Pathogenic.

Literature cited by the submitters: PubMed 9101289; PubMed 9633815.